The following is an entry in ClinVar:

NM_000059.4(BRCA2):c.1464dup (p.Ser489fs)

Gene: BRCA2 (BRCA2 DNA repair associated; plus strand). Cytogenetic location: 13q13.1.
Variant type: Duplication.
Coding change: c.1464dup on transcript NM_000059.4 (MANE Select); coding-DNA position 1464, one base duplicated (A; older notation c.1464dupA).
Protein change: p.Ser489fs; shifts the reading frame from serine 489.
Molecular consequence: frameshift variant.
Genome position (GRCh38, 1-based): chr13:32,332,942, A duplicated. VCF-style (leftmost placement, unchanged base first): chr13-32332941-T-TA. GRCh37 (hg19) VCF-style: chr13-32907078-T-TA.
Other names: c.1464dup, p.Ser489Ilefs (NM_001406719.1, NM_001406720.1, NM_001406721.1); c.1464dupA (NM_000059.3); short protein forms S489fs.
Identifiers: ClinVar variation 1773218 (VCV001773218.2), dbSNP rs2548520335, ClinGen allele CA2580087008.
Genomic context (GRCh38, chr13:32,332,941, plus strand): 5'-GAGATGAAGAGCAGCATCTTGAATCTCATACAGACTGCATTCTTGCAGTAAAGCAGGCAA[T>TA]ATCTGGAACTTCTCCAGTGGCTTCTTCATTTCAGGGTATCAAAAAGTCTATATTCAGAAT-3'

ClinVar aggregate classification (germline): Pathogenic (1 of 4 stars; one submission).

Conditions:
Hereditary cancer-predisposing syndrome. Also called: Hereditary Cancer Syndrome; Hereditary neoplastic syndrome; Neoplastic Syndromes, Hereditary; Tumor predisposition. Identifiers: Orphanet 140162, MedGen C0027672, MeSH D009386, MONDO:0015356.

Submission:

Ambry Genetics
Classification: Pathogenic for Hereditary cancer-predisposing syndrome. Last evaluated: 2022-09-06. Review status: criteria provided, single submitter. Criteria: Ambry Variant Classification Scheme 2023. Collection method: clinical testing. Allele origin: germline.
Comment: The c.1464dupA pathogenic mutation, located in coding exon 9 of the BRCA2 gene, results from a duplication of A at nucleotide position 1464, causing a translational frameshift with a predicted alternate stop codon (p.S489Ifs*25). This variant is considered to be rare based on population cohorts in the Genome Aggregation Database (gnomAD). This alteration is expected to result in loss of function by premature protein truncation or nonsense-mediated mRNA decay. As such, this alteration is interpreted as a disease-causing mutation.